The following is an entry in ClinVar:

ClinVar aggregate classification (germline): Uncertain significance (1 of 4 stars; one submission).

Conditions:
Hereditary hemochromatosis (HFE). Identifiers: MedGen C0392514, MONDO:0006507. Disease mechanism: loss of function.

Submission:

Labcorp Genetics (formerly Invitae), Labcorp
Classification: Uncertain significance for Hereditary hemochromatosis. Last evaluated: 2024-02-17. Review status: criteria provided, single submitter. Criteria: Invitae Variant Classification Sherloc (09022015). Collection method: clinical testing. Allele origin: germline.
Comment: This sequence change replaces alanine, which is neutral and non-polar, with threonine, which is neutral and polar, at codon 181 of the HFE protein (p.Ala181Thr). This variant is not present in population databases (gnomAD no frequency). This variant has not been reported in the literature in individuals affected with HFE-related conditions. Advanced modeling of protein sequence and biophysical properties (such as structural, functional, and spatial information, amino acid conservation, physicochemical variation, residue mobility, and thermodynamic stability) performed at Invitae indicates that this missense variant is not expected to disrupt HFE protein function with a negative predictive value of 80%. In summary, the available evidence is currently insufficient to determine the role of this variant in disease. Therefore, it has been classified as a Variant of Uncertain Significance.

NM_000410.4(HFE):c.541G>A (p.Ala181Thr)

Gene: HFE (homeostatic iron regulator; plus strand). Cytogenetic location: 6p22.2.
Variant type: single nucleotide variant.
Coding change: c.541G>A on transcript NM_000410.4 (MANE Select); coding-DNA position 541, G replaced by A.
Protein change: p.Ala181Thr; replaces alanine 181 with threonine.
Molecular consequence: missense variant. On other transcripts: intron variant (4).
Genome position (GRCh38, 1-based): chr6:26,091,514, G>A. VCF-style: chr6-26091514-G-A. GRCh37 (hg19) VCF-style: chr6-26091742-G-A.
Other names: c.77-1605G>A (NM_139011.3); c.541G>A, p.Ala181Thr (NM_001300749.3, NM_001384164.1, NM_001406751.1 and 1 more transcripts); c.277G>A, p.Ala93Thr (NM_001406752.1, NM_139007.3, NM_139008.3); c.472G>A, p.Ala158Thr (NM_139009.3); c.340+410G>A (NM_139004.3, NM_139003.3); c.77-1171G>A (NM_139010.3); short protein forms A93T, A158T, A181T.
Identifiers: ClinVar variation 3641734 (VCV003641734.2).
Genomic context (GRCh38, chr6:26,091,514, plus strand): 5'-AGGGCCTGGCCCACCAAGCTGGAGTGGGAAAGGCACAAGATTCGGGCCAGGCAGAACAGG[G>A]CCTACCTGGAGAGGGACTGCCCTGCACAGCTGCAGCAGTTGCTGGAGCTGGGGAGAGGTG-3'
Protein context (NP_000401.1, residues 171-191): RHKIRARQNR[Ala181Thr]YLERDCPAQL